The following is an entry in ClinVar:

ClinVar aggregate classification (germline): Uncertain significance (1 of 4 stars; one submission).

Allele frequency attached by ClinVar (database versions not stated): gnomAD exomes below 0.00001; ExAC 0.00001.
gnomAD v4.1: 2 of 1,612,906 alleles (0.00012%); highest among the groups gnomAD compares: Admixed American, 0.0033%; no homozygotes.

Submission:

Labcorp Genetics (formerly Invitae), Labcorp
Classification: Uncertain significance. Last evaluated: 2022-04-01. Review status: criteria provided, single submitter. Criteria: Invitae Variant Classification Sherloc (09022015). Collection method: clinical testing. Allele origin: germline.
Comment: In summary, the available evidence is currently insufficient to determine the role of this variant in disease. Therefore, it has been classified as a Variant of Uncertain Significance. Advanced modeling of protein sequence and biophysical properties (such as structural, functional, and spatial information, amino acid conservation, physicochemical variation, residue mobility, and thermodynamic stability) performed at Invitae indicates that this missense variant is not expected to disrupt MYO15A protein function. This variant has not been reported in the literature in individuals affected with MYO15A-related conditions. This variant is present in population databases (rs781392632, gnomAD 0.003%). This sequence change replaces glycine, which is neutral and non-polar, with alanine, which is neutral and non-polar, at codon 321 of the MYO15A protein (p.Gly321Ala).

NM_016239.4(MYO15A):c.962G>C (p.Gly321Ala)

Gene: MYO15A (myosin XVA; plus strand). Cytogenetic location: 17p11.2.
Variant type: single nucleotide variant.
Coding change: c.962G>C on transcript NM_016239.4 (MANE Select); coding-DNA position 962, G replaced by C.
Protein change: p.Gly321Ala; replaces glycine 321 with alanine.
Molecular consequence: missense variant.
Genome position (GRCh38, 1-based): chr17:18,119,762, G>C. VCF-style: chr17-18119762-G-C. GRCh37 (hg19) VCF-style: chr17-18023076-G-C.
Other names: short protein forms G321A.
Identifiers: ClinVar variation 1961618 (VCV001961618.4), dbSNP rs781392632, ClinGen allele CA8422989.
Genomic context (GRCh38, chr17:18,119,762, plus strand): 5'-CGGGGTACACCTACGGCTACGGCTACGACGATTACGAACCCCCATATGCGCCCCCGTCGG[G>C]GTACTCGTCTCCTTACAGCTACCACGATGGGTACGAGGGCGAGGCGCACCCTTATGGCTA-3'
Protein context (NP_057323.3, residues 311-331): DYEPPYAPPS[Gly321Ala]YSSPYSYHDG